The following is an entry in ClinVar:

ClinVar aggregate classification (germline): Uncertain significance (1 of 4 stars; one submission).

Conditions:
Intellectual developmental disorder, autosomal recessive 47. Also called: Intellectual disability, autosomal recessive 47. Identifiers: Orphanet 88616, MedGen C4015444, MONDO:0014524, OMIM 616193.

Submission:

Neuberg Centre For Genomic Medicine, NCGM
Classification: Uncertain significance for Intellectual developmental disorder, autosomal recessive 47. Last evaluated: 2024-02-01. Review status: criteria provided, single submitter. Criteria: ACMG Guidelines, 2015. Collection method: clinical testing. Allele origin: germline. Inheritance: Autosomal recessive inheritance.
Comment: The variant in FMN2 gene has not been reported previously as a pathogenic variant nor as a benign variant, to our knowledge.

NM_020066.5(FMN2):c.3380C>T (p.Ala1127Val)

Gene: FMN2 (formin 2; plus strand). Cytogenetic location: 1q43.
Variant type: single nucleotide variant.
Coding change: c.3380C>T on transcript NM_020066.5 (MANE Select); coding-DNA position 3380, C replaced by T.
Protein change: p.Ala1127Val; replaces alanine 1127 with valine.
Molecular consequence: missense variant. On other transcripts: intron variant (1).
Genome position (GRCh38, 1-based): chr1:240,208,192, C>T. VCF-style: chr1-240208192-C-T. GRCh37 (hg19) VCF-style: chr1-240371492-C-T.
Other names: c.3392C>T, p.Ala1131Val (NM_001305424.2); c.1986+19930C>T (NM_001348094.2); short protein forms A1127V, A1131V.
Identifiers: ClinVar variation 3897958 (VCV003897958.1).